The following is an entry in ClinVar:

ClinVar aggregate classification (germline): Uncertain significance (1 of 4 stars; one submission).

Conditions:
SETX-related disorder. Also called: SETX-related condition; SETX-related disorders. Identifiers: MedGen CN239403.

gnomAD v4.1: 1 of 1,614,204 alleles (0.000062%); highest among the groups gnomAD compares: Non-Finnish European, 0.000085%; no homozygotes.

Submission:

PreventionGenetics, part of Exact Sciences
Classification: Uncertain significance for SETX-related condition. Last evaluated: 2026-02-10. Review status: criteria provided, single submitter. Criteria: ACMG Guidelines, 2015. Collection method: clinical testing. Allele origin: germline.
Comment: The SETX c.7486G>T variant is predicted to result in the amino acid substitution p.Asp2496Tyr. To our knowledge, this variant has not been reported in the literature. This variant is reported in 0.00088% of alleles in individuals of European (Non-Finnish) descent in gnomAD. At this time, the clinical significance of this variant is uncertain due to the absence of conclusive functional and genetic evidence.

NM_015046.7(SETX):c.7486G>T (p.Asp2496Tyr)

Gene: SETX (senataxin; minus strand). Cytogenetic location: 9q34.13.
Variant type: single nucleotide variant.
Coding change: c.7486G>T on transcript NM_015046.7 (MANE Select); coding-DNA position 7486, G replaced by T.
Protein change: p.Asp2496Tyr; replaces aspartic acid 2496 with tyrosine.
Molecular consequence: missense variant.
Genome position (GRCh38, 1-based): chr9:132,264,787, C>A on the plus strand (G>T on the coding strand, the complement: SETX is on the minus strand). VCF-style: chr9-132264787-C-A. GRCh37 (hg19) VCF-style: chr9-135140174-C-A.
Other names: c.7486G>T, p.Asp2496Tyr (NM_001351527.2); c.7573G>T, p.Asp2525Tyr (NM_001351528.2); short protein forms D2525Y, D2496Y.
Identifiers: ClinVar variation 4994696 (VCV004994696.1).